The following is an entry in ClinVar:

NM_130839.5(UBE3A):c.2419A>G (p.Thr807Ala)

Genes: SNHG14 (small nucleolar RNA host gene 14; plus strand), UBE3A (ubiquitin protein ligase E3A; minus strand). Cytogenetic location: 15q11.2.
Variant type: single nucleotide variant.
Coding change: c.2419A>G on transcript NM_130839.5 (MANE Select); coding-DNA position 2419, A replaced by G.
Protein change: p.Thr807Ala; replaces threonine 807 with alanine.
Molecular consequence: missense variant. On other transcripts: non-coding transcript variant (1).
Genome position (GRCh38, 1-based): chr15:25,340,164, T>C on the plus strand (A>G on the coding strand, the complement: UBE3A is on the minus strand). VCF-style: chr15-25340164-T-C. GRCh37 (hg19) VCF-style: chr15-25585311-T-C.
Other names: NM_130839.5(UBE3A):c.2419A>G; p.Thr807Ala; c.2428A>G, p.Thr810Ala (NM_000462.5); c.2419A>G, p.Thr807Ala (NM_001354505.1, NM_001354538.2); c.2359A>G, p.Thr787Ala (NM_001354506.2, NM_001354507.2, NM_001354508.2 and 14 more transcripts); c.2263A>G, p.Thr755Ala (NM_001354545.2); c.2242A>G, p.Thr748Ala (NM_001354546.2); c.2203A>G, p.Thr735Ala (NM_001354547.2, NM_001354548.2); and 3 more; short protein forms T787A, T732A, T755A, T810A, T370A, T748A, T807A, T390A.
Identifiers: ClinVar variation 418562 (VCV000418562.60), dbSNP rs374519603, ClinGen allele CA7435364.

ClinVar aggregate classification (germline): Uncertain significance. Review status: reviewed by expert panel (3 of 4 stars). 7 submissions from 7 submitters: Uncertain significance (1). 6 of the submissions do not count toward it. Last evaluated 2023-06-20.

Conditions:
Inborn genetic diseases. Identifiers: MedGen C0950123, MeSH D030342.
Angelman syndrome (AS). Also called: HAPPY PUPPET SYNDROME. Identifiers: Orphanet 72, MedGen C0162635, MONDO:0007113, OMIM 105830. Disease mechanism: loss of function. Inheritance: AS is caused by disruption of maternally imprinted UBE3A located within the 15q11.2-q13 Angelman syndrome/Prader-Willi syndrome (AS/PWS) region., imprinting disorder.

Allele frequency attached by ClinVar (database versions not stated): gnomAD exomes below 0.00001; ExAC 0.00001; TOPMed 0.00002; ESP Exome Variant Server 0.00015.
gnomAD v4.1: 7 of 1,614,094 alleles (0.00043%); highest among the groups gnomAD compares: Non-Finnish European, 0.00051%; no homozygotes.

Submissions (7):

ClinGen Rett and Angelman-like Disorders Variant Curation Expert Panel
Classification: Uncertain significance for Angelman syndrome. Last evaluated: 2023-06-20. Review status: reviewed by expert panel. Criteria: ClinGen RettAS ACMG Specifications UBE3A V4.0.0. Collection method: curation. Allele origin: germline. Inheritance: Autosomal dominant inheritance.
Comment: The c.2359A>G p.Thr787Ala variant in UBE3A (NM_130838.2) is absent from gnomAD (PM2_Supporting). The p.Thr787Ala variant has been observed in multiple individuals with seizures, where at least 2 of these cases are known to be maternally inherited (Invitae internal data) (PS4_Supporting). Computational prediction analysis tools suggests a deleterious impact; however, this information does not predict clinical significance on its own (PP3). Functional studies suggest p.Thr787Ala is a gain of function variant that increases UBE3A ubiquitin ligase activity (PMID: 34815418). However, as loss of function is the known mechanism of UBE3A-associated disease, this evidence has not been applied. In summary, the p.Thr787Ala variant in UBE3A is classified as a Variant of Uncertain Significance based on the ACMG/AMP criteria (PM2_Supporting, PS4_Supporting, PP3).

GeneDx
Classification: Uncertain significance. Last evaluated: 2026-01-27. Review status: criteria provided, single submitter. Criteria: GeneDx Variant Classification Process June 2021. Collection method: clinical testing. Allele origin: germline. Affected: yes. Not counted in ClinVar's aggregate classification.
Comment: Published functional studies demonstrate that this variant increases UBE3A activity and accelerates ubiquitination activity (PMID: 34815418, 41146712); In silico analysis supports that this missense variant has a deleterious effect on protein structure/function; Not observed at significant frequency in large population cohorts (gnomAD); This variant is associated with the following publications: (PMID: 26219744, 25212744, 22670133, 19213023, 17940072, 17765640, 15263005, 8988171, 41146712, 34815418, 2309781, 25884337, 39168079)

Labcorp Genetics (formerly Invitae), Labcorp
Classification: Uncertain significance for Angelman syndrome. Last evaluated: 2025-07-13. Review status: criteria provided, single submitter. Criteria: Invitae Variant Classification Sherloc (09022015). Collection method: clinical testing. Allele origin: germline. Not counted in ClinVar's aggregate classification.
Comment: This sequence change replaces threonine, which is neutral and polar, with alanine, which is neutral and non-polar, at codon 787 of the UBE3A protein (p.Thr787Ala). This variant is present in population databases (rs374519603, gnomAD 0.0009%). This missense change has been observed in individual(s) with clinical features of UBE3A-related conditions (PMID: 34815418). ClinVar contains an entry for this variant (Variation ID: 418562). Invitae Evidence Modeling of protein sequence and biophysical properties (such as structural, functional, and spatial information, amino acid conservation, physicochemical variation, residue mobility, and thermodynamic stability) indicates that this missense variant is expected to disrupt UBE3A protein function with a positive predictive value of 80%. Experimental studies are conflicting or provide insufficient evidence to determine the effect of this variant on UBE3A function (PMID: 34815418). In summary, the available evidence is currently insufficient to determine the role of this variant in disease. Therefore, it has been classified as a Variant of Uncertain Significance.

Revvity Omics, Revvity
Classification: Uncertain significance for Angelman syndrome. Last evaluated: 2023-08-22. Review status: criteria provided, single submitter. Criteria: ACMG Guidelines, 2015. Collection method: clinical testing. Allele origin: germline. Not counted in ClinVar's aggregate classification.

Athena Diagnostics
Classification: Uncertain significance. Last evaluated: 2019-04-05. Review status: criteria provided, single submitter. Criteria: Athena Diagnostics Criteria. Collection method: clinical testing. Allele origin: germline. Not counted in ClinVar's aggregate classification.

CeGaT Center for Human Genetics Tuebingen
Classification: Uncertain significance. Last evaluated: 2018-08-01. Review status: criteria provided, single submitter. Criteria: CeGaT Center For Human Genetics Tuebingen Variant Classification Criteria Version 2. Collection method: clinical testing. Allele origin: germline. Affected: yes. Observed: 4 variant alleles. Not counted in ClinVar's aggregate classification.

Ambry Genetics
Classification: Likely benign for Hereditary disease. Last evaluated: 2017-09-07. Review status: criteria provided, single submitter. Criteria: ambry_reporting_categories_2017. Collection method: clinical testing. Allele origin: germline. Affected: yes. Observed: 1 heterozygote. Segregation with disease observed. Not counted in ClinVar's aggregate classification.
Comment: Lines of evidence used in support of classification: UNCERTAIN: Alteration(s) of Uncertain Clinical Significance Detected

Literature cited by the submitters: PubMed 34815418 (cited by Labcorp Genetics (formerly Invitae), Labcorp); PubMed 24876791 (cited by Ambry Genetics); PubMed 17765640 (cited by Ambry Genetics); PubMed 17940072 (cited by Ambry Genetics); PubMed 16470747 (cited by Ambry Genetics); PubMed 19213023 (cited by Ambry Genetics); PubMed 25884337 (cited by Ambry Genetics); PubMed 26219744 (cited by Ambry Genetics); PubMed 15263005 (cited by Ambry Genetics); PubMed 25212744 (cited by Ambry Genetics); PubMed 22670133 (cited by Ambry Genetics); PubMed 2309781 (cited by Ambry Genetics); PubMed 8988171 (cited by Ambry Genetics).